The following is an entry in ClinVar:

NM_001792.5(CDH2):c.767A>G (p.Asn256Ser)

Gene: CDH2 (cadherin 2; minus strand). Cytogenetic location: 18q12.1.
Variant type: single nucleotide variant.
Coding change: c.767A>G on transcript NM_001792.5 (MANE Select); coding-DNA position 767, A replaced by G.
Protein change: p.Asn256Ser; replaces asparagine 256 with serine.
Molecular consequence: missense variant.
Genome position (GRCh38, 1-based): chr18:28,005,929, T>C on the plus strand (A>G on the coding strand, the complement: CDH2 is on the minus strand). VCF-style: chr18-28005929-T-C. GRCh37 (hg19) VCF-style: chr18-25585893-T-C.
Other names: c.674A>G, p.Asn225Ser (NM_001308176.2); short protein forms N256S, N225S.
Identifiers: ClinVar variation 2993873 (VCV002993873.3), dbSNP rs1465038852, ClinGen allele CA402243229.

ClinVar aggregate classification (germline): Uncertain significance (1 of 4 stars; one submission).

Allele frequency attached by ClinVar (database versions not stated): gnomAD exomes below 0.00001; gnomAD 0.00001; TOPMed 0.00001.
gnomAD v4.1: 2 of 1,612,174 alleles (0.00012%); highest among the groups gnomAD compares: African/African-American, 0.0013%; no homozygotes.

Submission:

Labcorp Genetics (formerly Invitae), Labcorp
Classification: Uncertain significance. Last evaluated: 2023-04-12. Review status: criteria provided, single submitter. Criteria: Invitae Variant Classification Sherloc (09022015). Collection method: clinical testing. Allele origin: germline.
Comment: In summary, the available evidence is currently insufficient to determine the role of this variant in disease. Therefore, it has been classified as a Variant of Uncertain Significance. Studies have shown that this missense change does not significantly alter or has an unclear effect on CDH2 gene expression (PMID: 26271046). An algorithm developed to predict the effect of missense changes on protein structure and function (PolyPhen-2) suggests that this variant is likely to be disruptive. This variant has not been reported in the literature in individuals affected with CDH2-related conditions. This variant is not present in population databases (gnomAD no frequency). This sequence change replaces asparagine, which is neutral and polar, with serine, which is neutral and polar, at codon 256 of the CDH2 protein (p.Asn256Ser).

Literature cited by the submitters: PubMed 26271046.